The following is an entry in ClinVar:

NM_005263.5(GFI1):c.258T>G (p.Phe86Leu)

Gene: GFI1 (growth factor independent 1 transcriptional repressor; minus strand). Cytogenetic location: 1p22.1.
Variant type: single nucleotide variant.
Coding change: c.258T>G on transcript NM_005263.5 (MANE Select); coding-DNA position 258, T replaced by G.
Protein change: p.Phe86Leu; replaces phenylalanine 86 with leucine.
Molecular consequence: missense variant.
Genome position (GRCh38, 1-based): chr1:92,482,904, A>C on the plus strand (T>G on the coding strand, the complement: GFI1 is on the minus strand). VCF-style: chr1-92482904-A-C. GRCh37 (hg19) VCF-style: chr1-92948461-A-C.
Other names: c.258T>G, p.Phe86Leu (NM_001127215.3, NM_001127216.3); short protein forms F86L.
Identifiers: ClinVar variation 2505713 (VCV002505713.6), dbSNP rs947673885, ClinGen allele CA341150362.

ClinVar aggregate classification (germline): Uncertain significance. Review status: criteria provided, multiple submitters, no conflicts (2 of 4 stars). 3 submissions from 3 submitters: Uncertain significance (3). Last evaluated 2026-01-22.

Conditions:
Neutropenia, severe congenital, 2, autosomal dominant. Identifiers: Orphanet 486, MedGen C2751288, MONDO:0013139, OMIM 613107.

Allele frequency attached by ClinVar (database versions not stated): gnomAD exomes below 0.00001.
gnomAD v4.1: 1 of 1,614,100 alleles (0.000062%); highest among the groups gnomAD compares: Non-Finnish European, 0.000085%; no homozygotes.

Submissions (3):

Ambry Genetics
Classification: Uncertain significance. Last evaluated: 2026-01-22. Review status: criteria provided, single submitter. Criteria: Ambry Variant Classification Scheme 2023. Collection method: clinical testing. Allele origin: germline.
Comment: The p.F86L variant (also known as c.258T>G), located in coding exon 2 of the GFI1 gene, results from a T to G substitution at nucleotide position 258. The phenylalanine at codon 86 is replaced by leucine, an amino acid with highly similar properties. This amino acid position is conserved. In addition, this alteration is predicted to be tolerated by in silico analysis. Based on the available evidence, the clinical significance of this variant remains unclear.

Labcorp Genetics (formerly Invitae), Labcorp
Classification: Uncertain significance for Neutropenia, severe congenital, 2, autosomal dominant. Last evaluated: 2023-06-24. Review status: criteria provided, single submitter. Criteria: Invitae Variant Classification Sherloc (09022015). Collection method: clinical testing. Allele origin: germline.
Comment: This variant has not been reported in the literature in individuals affected with GFI1-related conditions. Advanced modeling of protein sequence and biophysical properties (such as structural, functional, and spatial information, amino acid conservation, physicochemical variation, residue mobility, and thermodynamic stability) performed at Invitae indicates that this missense variant is not expected to disrupt GFI1 protein function. In summary, the available evidence is currently insufficient to determine the role of this variant in disease. Therefore, it has been classified as a Variant of Uncertain Significance. This sequence change replaces phenylalanine, which is neutral and non-polar, with leucine, which is neutral and non-polar, at codon 86 of the GFI1 protein (p.Phe86Leu). This variant is not present in population databases (gnomAD no frequency).

GeneDx
Classification: Uncertain significance. Last evaluated: 2022-12-12. Review status: criteria provided, single submitter. Criteria: GeneDx Variant Classification Process June 2021. Collection method: clinical testing. Allele origin: germline. Affected: yes.
Comment: Not observed at significant frequency in large population cohorts (gnomAD); In silico analysis supports that this missense variant does not alter protein structure/function; Has not been previously published as pathogenic or benign to our knowledge